The following is an entry in ClinVar:

ClinVar aggregate classification (germline): Likely benign (0 of 4 stars; one submission).

Conditions:
PTPRF-related disorder. Also called: PTPRF-related condition.

Allele frequency attached by ClinVar (database versions not stated): ExAC 0.00001; gnomAD 0.00001; TOPMed 0.00001.
gnomAD v4.1: 18 of 1,614,046 alleles (0.0011%); highest among the groups gnomAD compares: East Asian, 0.0022%; no homozygotes.

Submission:

PreventionGenetics, part of Exact Sciences
Classification: Likely benign for PTPRF-related condition. Last evaluated: 2019-06-10. Review status: no assertion criteria provided. Collection method: clinical testing. Allele origin: germline.
Comment: This variant is classified as likely benign based on ACMG/AMP sequence variant interpretation guidelines (Richards et al. 2015 PMID: 25741868, with internal and published modifications).

NM_002840.5(PTPRF):c.5457C>T (p.Ile1819=)

Gene: PTPRF (protein tyrosine phosphatase receptor type F; plus strand). Cytogenetic location: 1p34.2.
Variant type: single nucleotide variant.
Coding change: c.5457C>T on transcript NM_002840.5 (MANE Select); coding-DNA position 5457, C replaced by T.
Protein change: p.Ile1819=; no amino-acid change (isoleucine 1819 retained).
Molecular consequence: synonymous variant.
Genome position (GRCh38, 1-based): chr1:43,620,930, C>T. VCF-style: chr1-43620930-C-T. GRCh37 (hg19) VCF-style: chr1-44086601-C-T.
Other names: c.4623C>T, p.Ile1541= (NM_001329137.2); c.4647C>T, p.Ile1549= (NM_001329138.2); c.4605C>T, p.Ile1535= (NM_001329139.2); c.4545C>T, p.Ile1515= (NM_001329140.2); c.5430C>T, p.Ile1810= (NM_130440.4).
Identifiers: ClinVar variation 3033635 (VCV003033635.2), dbSNP rs767266768, ClinGen allele CA813558.